The following is an entry in ClinVar:

ClinVar aggregate classification (germline): Conflicting classifications of pathogenicity. Review status: criteria provided, conflicting classifications (1 of 4 stars). 4 submissions from 4 submitters: Uncertain significance (1); Benign (1); Likely benign (2). Last evaluated 2026-06-24.

Conditions:
Retinoblastoma (RB1). Also called: RETINOBLASTOMA, SOMATIC. Identifiers: Orphanet 790, MedGen C0035335, MeSH D012175, MONDO:0008380, OMIM 180200, HP:0009919. Disease mechanism: loss of function. Inheritance: Both sporadic and heritable forms are tested..
Hereditary cancer-predisposing syndrome. Also called: Tumor predisposition; Hereditary Cancer Syndrome; Hereditary neoplastic syndrome; Neoplastic Syndromes, Hereditary. Identifiers: Orphanet 140162, MedGen C0027672, MeSH D009386, MONDO:0015356.

Submissions (4):

Myriad Genetics, Inc.
Classification: Benign for Retinoblastoma. Last evaluated: 2026-06-24. Review status: criteria provided, single submitter. Criteria: Myriad Autosomal Dominant, Autosomal Recessive and X-Linked Classification Criteria (2023). Collection method: clinical testing. Allele origin: unknown.
Comment: This variant is considered benign. This variant is a silent/synonymous amino acid change and it is not expected to impact splicing.

Labcorp Genetics (formerly Invitae), Labcorp
Classification: Likely benign for Retinoblastoma. Last evaluated: 2025-02-18. Review status: criteria provided, single submitter. Criteria: Invitae Variant Classification Sherloc (09022015). Collection method: clinical testing. Allele origin: germline.

GeneDx
Classification: Uncertain significance. Last evaluated: 2023-04-26. Review status: criteria provided, single submitter. Criteria: GeneDx Variant Classification Process June 2021. Collection method: clinical testing. Allele origin: germline. Affected: yes.
Comment: Not observed at significant frequency in large population cohorts (gnomAD); In silico analysis supports that this variant does not alter splicing; Has not been previously published as pathogenic or benign to our knowledge

Ambry Genetics
Classification: Likely benign for Hereditary cancer-predisposing syndrome. Last evaluated: 2019-08-29. Review status: criteria provided, single submitter. Criteria: Ambry Variant Classification Scheme 2023. Collection method: clinical testing. Allele origin: germline.

NM_000321.3(RB1):c.1827T>C (p.Pro609=)

Gene: RB1 (RB transcriptional corepressor 1; plus strand). Cytogenetic location: 13q14.2.
Variant type: single nucleotide variant.
Coding change: c.1827T>C on transcript NM_000321.3 (MANE Select); coding-DNA position 1827, T replaced by C.
Protein change: p.Pro609=; no amino-acid change (proline 609 retained).
Molecular consequence: synonymous variant.
Genome position (GRCh38, 1-based): chr13:48,456,216, T>C. VCF-style: chr13-48456216-T-C. GRCh37 (hg19) VCF-style: chr13-49030352-T-C.
Identifiers: ClinVar variation 820152 (VCV000820152.7), dbSNP rs1593531889, ClinGen allele CA483558294.